The following is an entry in ClinVar:

ClinVar aggregate classification (germline): Uncertain significance (1 of 4 stars; one submission).

Submission:

Labcorp Genetics (formerly Invitae), Labcorp
Classification: Uncertain significance. Last evaluated: 2023-12-28. Review status: criteria provided, single submitter. Criteria: Invitae Variant Classification Sherloc (09022015). Collection method: clinical testing. Allele origin: germline.
Comment: This sequence change replaces aspartic acid, which is acidic and polar, with glutamic acid, which is acidic and polar, at codon 354 of the OAS1 protein (p.Asp354Glu). This variant is not present in population databases (gnomAD no frequency). This variant has not been reported in the literature in individuals affected with OAS1-related conditions. An algorithm developed to predict the effect of missense changes on protein structure and function (PolyPhen-2) suggests that this variant is likely to be tolerated. In summary, the available evidence is currently insufficient to determine the role of this variant in disease. Therefore, it has been classified as a Variant of Uncertain Significance.

NM_016816.4(OAS1):c.1062T>A (p.Asp354Glu)

Gene: OAS1 (2'-5'-oligoadenylate synthetase 1; plus strand). Cytogenetic location: 12q24.13.
Variant type: single nucleotide variant.
Coding change: c.1062T>A on transcript NM_016816.4 (MANE Select); coding-DNA position 1062, T replaced by A.
Protein change: p.Asp354Glu; replaces aspartic acid 354 with glutamic acid.
Molecular consequence: missense variant. On other transcripts: 3 prime UTR variant (5), non-coding transcript variant (7), intron variant (5).
Genome position (GRCh38, 1-based): chr12:112,919,412, T>A. VCF-style: chr12-112919412-T-A. GRCh37 (hg19) VCF-style: chr12-113357217-T-A.
Other names: c.1038T>A, p.Asp346Glu (NM_001406021.1); c.*699T>A (NM_001406022.1, NM_001406023.1, NM_001406029.1); c.*1655T>A (NM_001406024.1, NM_001406030.1); c.588T>A, p.Asp196Glu (NM_001406027.1); c.1038+1712T>A (NM_001320151.2); c.1014+1712T>A (NM_001406025.1); c.1039-75T>A (NM_001032409.3); c.1015-75T>A (NM_001406020.1); and 1 more; short protein forms D346E, D196E, D354E.
Identifiers: ClinVar variation 2706061 (VCV002706061.3), dbSNP rs2540983870, ClinGen allele CA386810036.